The following is an entry in ClinVar:

NM_000030.3(AGXT):c.358+198G>C

Gene: AGXT (alanine--glyoxylate aminotransferase; plus strand). Cytogenetic location: 2q37.3.
Variant type: single nucleotide variant.
Coding change: c.358+198G>C on transcript NM_000030.3 (MANE Select); 198 bases into the intron after coding-DNA position 358, G replaced by C.
Molecular consequence: intron variant.
Genome position (GRCh38, 1-based): chr2:240,869,560, G>C. VCF-style: chr2-240869560-G-C. GRCh37 (hg19) VCF-style: chr2-241808977-G-C.
Identifiers: ClinVar variation 1706985 (VCV001706985.2), dbSNP rs149775291, ClinGen allele CA11243116.

ClinVar aggregate classification (germline): Likely benign (1 of 4 stars; one submission).

Allele frequency attached by ClinVar (database versions not stated): 1000 Genomes Project 0.00599; 1000 Genomes Project 30x 0.00609; TOPMed 0.01081.
gnomAD v4.1: 1,433 of 152,294 alleles (0.94%); highest among the groups gnomAD compares: African/African-American, 3.2%; 19 homozygotes.

Submission:

GeneDx
Classification: Likely benign. Last evaluated: 2021-08-21. Review status: criteria provided, single submitter. Criteria: GeneDx Variant Classification Process June 2021. Collection method: clinical testing. Allele origin: germline. Affected: yes.
Comment: See Variant Classification Assertion Criteria.